The following is an entry in ClinVar:

NM_001370466.1(NOD2):c.2026C>G (p.Arg676Gly)

Gene: NOD2 (nucleotide binding oligomerization domain containing 2; plus strand). Cytogenetic location: 16q12.1.
Variant type: single nucleotide variant.
Coding change: c.2026C>G on transcript NM_001370466.1 (MANE Select); coding-DNA position 2026, C replaced by G.
Protein change: p.Arg676Gly; replaces arginine 676 with glycine.
Molecular consequence: missense variant. On other transcripts: non-coding transcript variant (1).
Genome position (GRCh38, 1-based): chr16:50,712,018, C>G. VCF-style: chr16-50712018-C-G. GRCh37 (hg19) VCF-style: chr16-50745929-C-G.
Other names: c.2026C>G, p.Arg676Gly (NM_001293557.2); c.2107C>G, p.Arg703Gly (NM_022162.3); short protein forms R676G, R703G.
Identifiers: ClinVar variation 950442 (VCV000950442.3), dbSNP rs5743277, ClinGen allele CA8051693.
Genomic context (GRCh38, chr16:50,712,018, plus strand): 5'-TCCCGGGAGCACTGGGGCCTGCTGGCTGAGTGCCAGACATCTGAGAAGGCCCTGCTCCGG[C>G]GCCAGGCCTGTGCCCGCTGGTGTCTGGCCCGCAGCCTCCGCAAGCACTTCCACTCCATCC-3'
Protein context (NP_001357395.1, residues 666-686): CQTSEKALLR[Arg676Gly]QACARWCLAR

ClinVar aggregate classification (germline): Uncertain significance (1 of 4 stars; one submission).

Conditions:
Regional enteritis. Also called: Enteritis, Granulomatous. Identifiers: MedGen C0678202, MeSH D003424.
Blau syndrome (BLAUS). Also called: GRANULOMATOSIS, FAMILIAL JUVENILE SYSTEMIC; GRANULOMATOSIS, FAMILIAL, BLAU TYPE; GRANULOMATOUS INFLAMMATORY ARTHRITIS, DERMATITIS, AND UVEITIS, FAMILIAL; JABS SYNDROME; ARTHROCUTANEOUVEAL GRANULOMATOSIS. Identifiers: Orphanet 90340, MedGen C5201146, MONDO:0008523, OMIM 186580.

gnomAD v4.1: 16 of 1,613,156 alleles (0.00099%); highest among the groups gnomAD compares: Middle Eastern, 0.017%; no homozygotes.

Submission:

Labcorp Genetics (formerly Invitae), Labcorp
Classification: Uncertain significance for Regional enteritis; Blau syndrome. Last evaluated: 2026-01-25. Review status: criteria provided, single submitter. Criteria: Invitae Variant Classification Sherloc (09022015). Collection method: clinical testing. Allele origin: germline.
Comment: This sequence change replaces arginine, which is basic and polar, with glycine, which is neutral and non-polar, at codon 703 of the NOD2 protein (p.Arg703Gly). This variant is present in population databases (rs5743277, gnomAD 0.0009%). This variant has not been reported in the literature in individuals affected with NOD2-related conditions. ClinVar contains an entry for this variant (Variation ID: 950442). Invitae Evidence Modeling of protein sequence and biophysical properties (such as structural, functional, and spatial information, amino acid conservation, physicochemical variation, residue mobility, and thermodynamic stability) has been performed for this missense variant. However, the output from this modeling did not meet the statistical confidence thresholds required to predict the impact of this variant on NOD2 protein function. In summary, the available evidence is currently insufficient to determine the role of this variant in disease. Therefore, it has been classified as a Variant of Uncertain Significance.